The following is an entry in ClinVar:

ClinVar aggregate classification (germline): Uncertain significance (1 of 4 stars; one submission).

Conditions:
Birt-Hogg-Dube syndrome. Also called: Birt Hogg Dubé syndrome. Identifiers: Orphanet 122, MedGen C0346010, MONDO:0800444.

Submission:

Labcorp Genetics (formerly Invitae), Labcorp
Classification: Uncertain significance for Birt-Hogg-Dube syndrome. Last evaluated: 2021-08-15. Review status: criteria provided, single submitter. Criteria: Invitae Variant Classification Sherloc (09022015). Collection method: clinical testing. Allele origin: germline.
Comment: This sequence change replaces histidine with proline at codon 429 of the FLCN protein (p.His429Pro). The histidine residue is highly conserved and there is a moderate physicochemical difference between histidine and proline. In summary, the available evidence is currently insufficient to determine the role of this variant in disease. Therefore, it has been classified as a Variant of Uncertain Significance. Algorithms developed to predict the effect of missense changes on protein structure and function are either unavailable or do not agree on the potential impact of this missense change (SIFT: "Tolerated"; PolyPhen-2: "Possibly Damaging"; Align-GVGD: "Class C0"). This variant has not been reported in the literature in individuals affected with FLCN-related conditions. This variant is not present in population databases (ExAC no frequency).

NM_144997.7(FLCN):c.1286A>C (p.His429Pro)

Gene: FLCN (folliculin; minus strand). Cytogenetic location: 17p11.2.
Variant type: single nucleotide variant.
Coding change: c.1286A>C on transcript NM_144997.7 (MANE Select); coding-DNA position 1286, A replaced by C.
Protein change: p.His429Pro; replaces histidine 429 with proline.
Molecular consequence: missense variant.
Genome position (GRCh38, 1-based): chr17:17,216,394, T>G on the plus strand (A>C on the coding strand, the complement: FLCN is on the minus strand). VCF-style: chr17-17216394-T-G. GRCh37 (hg19) VCF-style: chr17-17119708-T-G.
Other names: c.1340A>C, p.His447Pro (NM_001353229.2); c.1286A>C, p.His429Pro (NM_001353230.2, NM_001353231.2); short protein forms H447P, H429P.
Identifiers: ClinVar variation 1522153 (VCV001522153.8), dbSNP rs2144856339, ClinGen allele CA398531620.